The following is an entry in ClinVar:

NM_170606.3(KMT2C):c.10449dup (p.Gln3484fs)

Gene: KMT2C (lysine methyltransferase 2C; minus strand). Cytogenetic location: 7q36.1.
Variant type: Duplication.
Coding change: c.10449dup on transcript NM_170606.3 (MANE Select); coding-DNA position 10449, one base duplicated (A; older notation c.10449dupA).
Protein change: p.Gln3484fs; shifts the reading frame from glutamine 3484.
Molecular consequence: frameshift variant.
Genome position (GRCh38, 1-based): chr7:152,163,128, T duplicated on the plus strand (A on the coding strand, the reverse complement: KMT2C is on the minus strand). VCF-style (leftmost placement, unchanged base first): chr7-152163127-G-GT. GRCh37 (hg19) VCF-style: chr7-151860212-G-GT.
Other names: short protein forms Q3484fs.
Identifiers: ClinVar variation 3349046 (VCV003349046.1).
Genomic context (GRCh38, chr7:152,163,127, plus strand): 5'-TCTGCATGAAAGTTTGGGTGGAGGGTGAATTAATTGATCCTTGTTGTATATTCTGCTGCT[G>GT]TAAAACCTGCCCCATTTGCTGTTGGTGTTGTGGAGACTGCTGAAGGGGTCCTAGAGGTTG-3'

ClinVar aggregate classification (germline): Likely pathogenic (0 of 4 stars; one submission).

Conditions:
KMT2C-related disorder. Also called: KMT2C-related condition; KMT2C-related disorders.

Submission:

PreventionGenetics, part of Exact Sciences
Classification: Likely pathogenic for KMT2C-related condition. Last evaluated: 2024-03-22. Review status: no assertion criteria provided. Collection method: clinical testing. Allele origin: germline.
Comment: The KMT2C c.10449dupA variant is predicted to result in a frameshift and premature protein termination (p.Gln3484Thrfs*11). To our knowledge, this variant has not been reported in the literature or in a large population database, indicating this variant is rare. Frameshift variants in KMT2C are expected to be pathogenic. This variant is interpreted as likely pathogenic.